The following is an entry in ClinVar:

ClinVar aggregate classification (germline): Likely pathogenic. Review status: criteria provided, multiple submitters, no conflicts (2 of 4 stars). 3 submissions from 3 submitters: Likely pathogenic (3). Last evaluated 2026-01-09.

Conditions:
Fetal akinesia deformation sequence 3. Identifiers: MedGen C4760599, MONDO:0100103, OMIM 618389.
Congenital myasthenic syndrome 10. Also called: Myasthenia, limb-girdle, familial. Identifiers: Orphanet 590, MedGen C1850792, MONDO:0009690, OMIM 254300.
Fetal akinesia deformation sequence 1 (FADS1). Also called: Pena-Shokeir syndrome type I; Fetal akinesia sequence. Identifiers: Orphanet 994, MedGen C1276035, MONDO:0100101, OMIM 208150, HP:0001989.

Allele frequency attached by ClinVar (database versions not stated): gnomAD 0.00001.
gnomAD v4.1: 4 of 1,474,160 alleles (0.00027%); highest among the groups gnomAD compares: South Asian, 0.0045%; no homozygotes.

Submissions (3):

Labcorp Genetics (formerly Invitae), Labcorp
Classification: Likely pathogenic for Congenital myasthenic syndrome 10; Fetal akinesia deformation sequence 1. Last evaluated: 2026-01-09. Review status: criteria provided, single submitter. Criteria: Invitae Variant Classification Sherloc (09022015). Collection method: clinical testing. Allele origin: germline.
Comment: This sequence change affects an acceptor splice site in intron 3 of the DOK7 gene. It is expected to disrupt RNA splicing. Variants that disrupt the donor or acceptor splice site typically lead to a loss of protein function (PMID: 16199547), and loss-of-function variants in DOK7 are known to be pathogenic (PMID: 16794080, 16917026, 18626973, 19261599). This variant is present in population databases (no rsID available, gnomAD 0.003%). This variant has not been reported in the literature in individuals affected with DOK7-related conditions. ClinVar contains an entry for this variant (Variation ID: 2439910). Algorithms developed to predict the effect of sequence changes on RNA splicing suggest that this variant may disrupt the consensus splice site. In summary, the currently available evidence indicates that the variant is pathogenic, but additional data are needed to prove that conclusively. Therefore, this variant has been classified as Likely Pathogenic.

Revvity Omics, Revvity
Classification: Likely pathogenic. Last evaluated: 2024-01-11. Review status: criteria provided, single submitter. Criteria: ACMG Guidelines, 2015. Collection method: clinical testing. Allele origin: germline.

Neuberg Centre For Genomic Medicine, NCGM
Classification: Likely pathogenic for Fetal akinesia deformation sequence 3. Review status: criteria provided, single submitter. Criteria: ACMG Guidelines, 2015. Collection method: clinical testing. Allele origin: germline. Inheritance: Autosomal recessive inheritance. Affected: yes.
Comment: The invariant splice acceptor c.332-1G>C variant in DOK7 gene has not been reported previously as a pathogenic variant nor as a benign variant, to our knowledge. The observed variant has allele frequency of 0.0004% in gnomAD exomes database. This variant has been submitted to the ClinVar database as Likely Pathogenic. SpliceAI predicts a damaging effect with an acceptor gain score of 0.93 for this variant. Loss of function variants have been previously reported to be disease causing. For these reasons, this variant has been classified as Likely Pathogenic.

Literature cited by the submitters: PubMed 16199547 (cited by Labcorp Genetics (formerly Invitae), Labcorp); PubMed 16794080 (cited by Labcorp Genetics (formerly Invitae), Labcorp); PubMed 16917026 (cited by Labcorp Genetics (formerly Invitae), Labcorp); PubMed 18626973 (cited by Labcorp Genetics (formerly Invitae), Labcorp); PubMed 19261599 (cited by Labcorp Genetics (formerly Invitae), Labcorp).

NM_173660.5(DOK7):c.332-1G>C

Gene: DOK7 (docking protein 7; plus strand). Cytogenetic location: 4p16.3.
Variant type: single nucleotide variant.
Coding change: c.332-1G>C on transcript NM_173660.5 (MANE Select); the canonical splice acceptor site of the intron before coding-DNA position 332, G replaced by C.
Molecular consequence: splice acceptor variant. On other transcripts: intron variant (1).
Genome position (GRCh38, 1-based): chr4:3,476,341, G>C. VCF-style: chr4-3476341-G-C. GRCh37 (hg19) VCF-style: chr4-3478068-G-C.
Other names: c.332-1G>C (NM_001301071.2, NM_001164673.2); c.101-9198G>C (NM_001363811.2).
Identifiers: ClinVar variation 2439910 (VCV002439910.7), dbSNP rs1490214819, ClinGen allele CA356114063.